The following is an entry in ClinVar:

NM_153704.6(TMEM67):c.2576T>A (p.Leu859Gln)

Gene: TMEM67 (transmembrane protein 67; plus strand). Cytogenetic location: 8q22.1.
Variant type: single nucleotide variant.
Coding change: c.2576T>A on transcript NM_153704.6 (MANE Select); coding-DNA position 2576, T replaced by A.
Protein change: p.Leu859Gln; replaces leucine 859 with glutamine.
Molecular consequence: missense variant. On other transcripts: non-coding transcript variant (1).
Genome position (GRCh38, 1-based): chr8:93,809,076, T>A. VCF-style: chr8-93809076-T-A. GRCh37 (hg19) VCF-style: chr8-94821304-T-A.
Other names: c.2333T>A, p.Leu778Gln (NM_001142301.1); short protein forms L778Q, L859Q.
Identifiers: ClinVar variation 2133685 (VCV002133685.4), dbSNP rs2536947223, ClinGen allele CA371699201.

ClinVar aggregate classification (germline): Uncertain significance (1 of 4 stars; one submission).

Conditions:
Joubert syndrome. Also called: CEREBELLOPARENCHYMAL DISORDER IV; JOUBERT-BOLTSHAUSER SYNDROME; Familial aplasia of the vermis. Identifiers: Orphanet 475, MedGen C5979921, MONDO:0018772.
Meckel-Gruber syndrome. Also called: DYSENCEPHALIA SPLANCHNOCYSTICA; GRUBER SYNDROME; Dysencephalia splachnocystica. Identifiers: Orphanet 564, MedGen C0265215, MONDO:0018921.

Submission:

Labcorp Genetics (formerly Invitae), Labcorp
Classification: Uncertain significance for Joubert syndrome; Meckel-Gruber syndrome. Last evaluated: 2025-02-17. Review status: criteria provided, single submitter. Criteria: Invitae Variant Classification Sherloc (09022015). Collection method: clinical testing. Allele origin: germline.
Comment: This sequence change replaces leucine, which is neutral and non-polar, with glutamine, which is neutral and polar, at codon 859 of the TMEM67 protein (p.Leu859Gln). This variant is not present in population databases (gnomAD no frequency). This variant has not been reported in the literature in individuals affected with TMEM67-related conditions. ClinVar contains an entry for this variant (Variation ID: 2133685). Invitae Evidence Modeling of protein sequence and biophysical properties (such as structural, functional, and spatial information, amino acid conservation, physicochemical variation, residue mobility, and thermodynamic stability) indicates that this missense variant is expected to disrupt TMEM67 protein function with a positive predictive value of 95%. In summary, the available evidence is currently insufficient to determine the role of this variant in disease. Therefore, it has been classified as a Variant of Uncertain Significance.